The following is an entry in ClinVar:

NM_000071.3(CBS):c.1051G>C (p.Gly351Arg)

Gene: CBS (cystathionine beta-synthase; minus strand). Cytogenetic location: 21q22.3.
Variant type: single nucleotide variant.
Coding change: c.1051G>C on transcript NM_000071.3 (MANE Select); coding-DNA position 1051, G replaced by C.
Protein change: p.Gly351Arg; replaces glycine 351 with arginine.
Molecular consequence: missense variant.
Genome position (GRCh38, 1-based): chr21:43,060,535, C>G on the plus strand (G>C on the coding strand, the complement: CBS is on the minus strand). VCF-style: chr21-43060535-C-G. GRCh37 (hg19) VCF-style: chr21-44480645-C-G.
Other names: p.G351R:GGC>CGC; c.1051G>C, p.Gly351Arg (NM_001178008.3, NM_001178009.3, NM_001320298.2); c.736G>C, p.Gly246Arg (NM_001321072.1); short protein forms G351R, G246R.
Identifiers: ClinVar variation 212861 (VCV000212861.2), dbSNP rs774926464, ClinGen allele CA320282.
Genomic context (GRCh38, chr21:43,060,535, plus strand): 5'-CGCAGCGCTGGCCCTCCTGCAGCTCCTGCGCGGCCTTCACGGCCACCGCCACCGTGCTGC[C>G]AGCACTGCCACCTGCAGAGAGGGCCACGAGTCAGACGCGCCAGGGTGAGCGTGCGTGGGT-3'
Protein context (NP_000062.1, residues 341-361): QEGLLCGGSA[Gly351Arg]STVAVAVKAA

ClinVar aggregate classification (germline): Likely pathogenic (1 of 4 stars; one submission).

Allele frequency attached by ClinVar (database versions not stated): gnomAD exomes below 0.00001; ExAC 0.00001.

Submission:

GeneDx
Classification: Likely pathogenic. Last evaluated: 2013-06-05. Review status: criteria provided, single submitter. Criteria: GeneDx Variant Classification (06012015). Collection method: clinical testing. Allele origin: germline. Affected: yes.
Comment: p.Gly351Arg (GGC>CGC): c.1051 G>C in exon 12 of the CBS gene (NM_000071.2). A G351R missense change that is likely pathogenic was identified in the CBS gene. It has not been published as a mutation, nor has it been reported as a benign polymorphism to our knowledge. The G351R variant is a non-conservative amino acid substitution as these residues differ in polarity, charge, size and/or other properties and is more likely to impact secondary structure. This substitution occurs at a position in the CBS protein that is conserved across species. In silico analysis predicts G315R is probably damaging to the protein structure/function. Mutations in nearby residues (S349N, S352N, T353M, V354M) have been reported in association with homocystinuria due to cystathionine beta-synthase deficiency, further supporting the functional importance of this region of the protein. Therefore, G351R is a strong candidate for a disease-causing mutation, however the possibility that it is a benign variant cannot be excluded. This variant was found in CBS,TAAD